The following is an entry in ClinVar:

ClinVar aggregate classification (germline): Pathogenic/Likely pathogenic. Review status: criteria provided, multiple submitters, no conflicts (2 of 4 stars). 5 submissions from 5 submitters: Pathogenic (3); Likely pathogenic (2). Last evaluated 2025-01-10.

Conditions:
NBN-related disorder. Also called: NBN-related condition.
Microcephaly, normal intelligence and immunodeficiency (NBS). Also called: BERLIN BREAKAGE SYNDROME; IMMUNODEFICIENCY, MICROCEPHALY, AND CHROMOSOMAL INSTABILITY; SEEMANOVA SYNDROME II; Nijmegen breakage syndrome; Microcephaly with normal intelligence immunodeficiency and lymphoreticular malignancies; Nonsyndromal microcephaly autosomal recessive with normal intelligence. Identifiers: Orphanet 647, MedGen C0398791, MONDO:0009623, OMIM 251260.
Aplastic anemia. Identifiers: Orphanet 182040, Orphanet 88, MedGen C0002874, MONDO:0015909, OMIM 609135, HP:0001915.
Hereditary cancer-predisposing syndrome. Also called: Hereditary Cancer Syndrome; Hereditary neoplastic syndrome; Tumor predisposition; Neoplastic Syndromes, Hereditary. Identifiers: Orphanet 140162, MedGen C0027672, MeSH D009386, MONDO:0015356.

Submissions (5):

Myriad Genetics, Inc.
Classification: Pathogenic for Microcephaly, normal intelligence and immunodeficiency. Last evaluated: 2025-01-10. Review status: criteria provided, single submitter. Criteria: Myriad Autosomal Dominant, Autosomal Recessive and X-Linked Classification Criteria (2023). Collection method: clinical testing. Allele origin: unknown.
Comment: NM_002485.4(NBN):c.794dupC(P266Sfs*7) is expected to be pathogenic in the context of Nijmegen breakage syndrome. This variant is predicted to lead to an abnormal or absent protein product due to the creation of a premature termination codon in NBN, a gene where loss-of-function variants are known to be pathogenic. Please note: this variant was assessed in the context of healthy population screening.

Labcorp Genetics (formerly Invitae), Labcorp
Classification: Pathogenic for Microcephaly, normal intelligence and immunodeficiency. Last evaluated: 2023-08-11. Review status: criteria provided, single submitter. Criteria: Invitae Variant Classification Sherloc (09022015). Collection method: clinical testing. Allele origin: germline.
Comment: For these reasons, this variant has been classified as Pathogenic. This variant has not been reported in the literature in individuals affected with NBN-related conditions. This variant is not present in population databases (gnomAD no frequency). This sequence change creates a premature translational stop signal (p.Pro266Serfs*7) in the NBN gene. It is expected to result in an absent or disrupted protein product. Loss-of-function variants in NBN are known to be pathogenic (PMID: 9590180, 16415040).

Ambry Genetics
Classification: Pathogenic for Hereditary cancer-predisposing syndrome. Last evaluated: 2022-12-18. Review status: criteria provided, single submitter. Criteria: Ambry Variant Classification Scheme 2023. Collection method: clinical testing. Allele origin: germline.
Comment: The c.794dupC pathogenic mutation, located in coding exon 7 of the NBN gene, results from a duplication of C at nucleotide position 794, causing a translational frameshift with a predicted alternate stop codon (p.P266Sfs*7). This variant is considered to be rare based on population cohorts in the Genome Aggregation Database (gnomAD). This alteration is expected to result in loss of function by premature protein truncation or nonsense-mediated mRNA decay. As such, this alteration is interpreted as a disease-causing mutation.

Baylor Genetics
Classification: Likely pathogenic for Aplastic anemia. Last evaluated: 2022-07-09. Review status: criteria provided, single submitter. Criteria: ACMG Guidelines, 2015. Collection method: clinical testing. Allele origin: unknown.

Blueprint Genetics
Classification: Likely pathogenic for NBN-related disorders. Last evaluated: 2020-12-11. Review status: criteria provided, single submitter. Criteria: ACMG Guidelines, 2015. Collection method: clinical testing. Allele origin: germline. Affected: yes. Observed: 1 variant allele.

Literature cited by the submitters: PubMed 9590180 (cited by Labcorp Genetics (formerly Invitae), Labcorp); PubMed 16415040 (cited by Labcorp Genetics (formerly Invitae), Labcorp).

NM_002485.5(NBN):c.794dup (p.Pro266fs)

Gene: NBN (nibrin; minus strand). Cytogenetic location: 8q21.3.
Variant type: Duplication.
Coding change: c.794dup on transcript NM_002485.5 (MANE Select); coding-DNA position 794, one base duplicated (C; older notation c.794dupC).
Protein change: p.Pro266fs; shifts the reading frame from proline 266.
Molecular consequence: frameshift variant.
Genome position (GRCh38, 1-based): chr8:89,970,466, G duplicated on the plus strand (C on the coding strand, the reverse complement: NBN is on the minus strand). VCF-style (leftmost placement, unchanged base first): chr8-89970465-A-AG. GRCh37 (hg19) VCF-style: chr8-90982693-A-AG.
Other names: c.548dup, p.Pro184fs (NM_001024688.3); c.794dupC (NM_002485.4); short protein forms P184fs, P266fs.
Identifiers: ClinVar variation 2676958 (VCV002676958.7), dbSNP rs2488310308, ClinGen allele CA2695201504.
Genomic context (GRCh38, chr8:89,970,465, plus strand): 5'-ACAGTCAGGAATTAAGGTCTGTGAGTTTGTTATTCCTGTATCAACAACACACGTTCCCGG[A>AG]GCCAAAAAGAAATTATGTTCTTCTTCATTCTCTTCTGTTATCAACCTAGCTTCCCCACCT-3'